The following is an entry in ClinVar:

ClinVar aggregate classification (germline): Conflicting classifications of pathogenicity. Review status: criteria provided, conflicting classifications (1 of 4 stars). 6 submissions from 6 submitters: Uncertain significance (5); Likely benign (1). Last evaluated 2025-12-10.

Conditions:
Familial cancer of breast. Also called: BREAST CANCER, FAMILIAL; hereditary breast carcinoma; Hereditary breast cancer. Identifiers: Orphanet 227535, MedGen C0346153, MONDO:0016419, OMIM 114480. Disease mechanism: loss of function.
Hereditary cancer-predisposing syndrome. Also called: Neoplastic Syndromes, Hereditary; Tumor predisposition; Hereditary Cancer Syndrome; Hereditary neoplastic syndrome. Identifiers: Orphanet 140162, MedGen C0027672, MeSH D009386, MONDO:0015356.

Allele frequency attached by ClinVar (database versions not stated): TOPMed below 0.00001; ExAC 0.00001.
gnomAD v4.1: 11 of 1,613,782 alleles (0.00068%); highest among the groups gnomAD compares: African/African-American, 0.0053%; no homozygotes.

Submissions (7):

Labcorp Genetics (formerly Invitae), Labcorp
Classification: Uncertain significance for Familial cancer of breast. Last evaluated: 2025-12-10. Review status: criteria provided, single submitter. Criteria: Invitae Variant Classification Sherloc (09022015). Collection method: clinical testing. Allele origin: germline.
Comment: This sequence change replaces tyrosine, which is neutral and polar, with phenylalanine, which is neutral and non-polar, at codon 533 of the BARD1 protein (p.Tyr533Phe). RNA analysis indicates that this missense change induces altered splicing and may result in an absent or altered protein product. This variant is present in population databases (rs761673463, gnomAD no frequency). This missense change has been observed in individual(s) with breast cancer (PMID: 34326862, 36672847). ClinVar contains an entry for this variant (Variation ID: 232255). An algorithm developed to predict the effect of missense changes on protein structure and function (PolyPhen-2) suggests that this variant is likely to be disruptive. Experimental studies have shown that this missense change does not substantially affect BARD1 function (PMID: 30925164). Studies have shown that this missense change results in activation of a cryptic splice site, and produces a non-functional protein and/or introduces a premature termination codon (internal data). In summary, the available evidence is currently insufficient to determine the role of this variant in disease. Therefore, it has been classified as a Variant of Uncertain Significance.

KCCC/NGS Laboratory, Kuwait Cancer Control Center
Classification: Uncertain significance for Familial cancer of breast. Last evaluated: 2024-12-17. Review status: criteria provided, single submitter. Criteria: ACMG Guidelines, 2015. Collection method: clinical testing. Allele origin: germline. Inheritance: Autosomal dominant inheritance. Affected: yes. Observed: 1 heterozygote.
Comment: This sequence change replaces tyrosine, which is neutral and polar, with phenylalanine, which is neutral and non-polar, at codon 533 of the BARD1 protein (p.Tyr533Phe).This amino acid position is highly conservative (PhyloP=6.3) RNA analysis indicates that this missense change induces altered splicing and may result in an absent or disrupted protein product. This variant is present in population databases (rs761673463, gnomAD no frequency). This missense change has been observed in individual(s) with breast cancer (PMID: 34326862, 36672847). ClinVar contains an entry for this variant (Variation ID: 232255). In silico analysis supports that this variant has a deleterious effect on splicing. In summary, the available evidence is currently insufficient to determine the role of this variant in disease. Therefore, it has been classified as a Variant of Uncertain Significance.

Quest Diagnostics Nichols Institute San Juan Capistrano
Classification: Uncertain significance. Last evaluated: 2024-12-16. Review status: criteria provided, single submitter. Criteria: Quest Diagnostics criteria. Collection method: clinical testing. Allele origin: unknown.
Comment: The BARD1 c.1598A>T (p.Tyr533Phe) variant has been reported in the published literature in individuals affected with breast cancer (PMIDs: 34326862 (2021), 36672847 (2022)) and ovarian cancer (PMID: 39003285 (2024)). This variant was reported to occur with a pathogenic variant in the BRCA2 gene (PMID: 36672847 (2022)), suggesting this variant may not be the primary cause of disease. One functional study reported that this variant had homology-directed DNA repair activity comparable to the wild-type using a mammalian cell-based assay (PMID: 30925164 (2019)). This variant has not been reported in large, multi-ethnic general populations (Genome Aggregation Database). Based on the available information, we are unable to determine the clinical significance of this variant.

GeneDx
Classification: Uncertain significance. Last evaluated: 2023-09-20. Review status: criteria provided, single submitter. Criteria: GeneDx Variant Classification Process June 2021. Collection method: clinical testing. Allele origin: germline. Affected: yes.
Comment: Not observed at significant frequency in large population cohorts (gnomAD); In silico analysis supports that this missense variant has a deleterious effect on protein function; In silico analysis supports that this variant has a deleterious effect on splicing; Published functional studies demonstrate no damaging effect: homology-directed repair (HDR) activity similar to wild type (Adamovich et al., 2019); This variant is associated with the following publications: (PMID: 18480049, 34326862, 30925164, 36672847)

Ambry Genetics
Classification: Likely benign for Hereditary cancer-predisposing syndrome. Last evaluated: 2021-05-04. Review status: criteria provided, single submitter. Criteria: Ambry Variant Classification Scheme 2023. Collection method: clinical testing. Allele origin: germline.

Color Diagnostics, LLC DBA Color Health
Classification: Uncertain significance for Hereditary cancer-predisposing syndrome. Last evaluated: 2020-11-02. Review status: criteria provided, single submitter. Criteria: ACMG Guidelines, 2015. Collection method: clinical testing. Allele origin: germline.
Comment: This missense variant replaces tyrosine with phenylalanine at codon 533 of the BARD1 protein. Computational prediction suggests that this variant may not impact protein structure and function (internally defined REVEL score threshold <= 0.5, PMID: 27666373). A functional study has shown that the variant protein leads to comparable homology-directed DNA repair activity to the wild-type protein in a mammalian cell-based assay (PMID: 30925164). To our knowledge, this variant has not been reported in individuals affected with hereditary cancer in the literature. This variant has not been identified in the general population by the Genome Aggregation Database (gnomAD). The available evidence is insufficient to determine the role of this variant in disease conclusively. Therefore, this variant is classified as a Variant of Uncertain Significance.

Dr. Peter K. Rogan Lab, Western University
No classification provided (evidence only). Condition: Hepatocellular carcinoma. Review status: no classification provided. Collection method: in vitro. Allele origin: not applicable. Functional consequence: retained intron. Not counted in ClinVar's aggregate classification.

Literature cited by the submitters: PubMed 34326862 (cited by Labcorp Genetics (formerly Invitae), Labcorp and Quest Diagnostics Nichols Institute San Juan Capistrano); PubMed 36672847 (cited by Labcorp Genetics (formerly Invitae), Labcorp and Quest Diagnostics Nichols Institute San Juan Capistrano); PubMed 30925164 (cited by 3 submitters); PubMed 39003285 (cited by Quest Diagnostics Nichols Institute San Juan Capistrano).

NM_000465.4(BARD1):c.1598A>T (p.Tyr533Phe)

Gene: BARD1 (BRCA1 associated RING domain 1; minus strand). Cytogenetic location: 2q35.
Variant type: single nucleotide variant.
Coding change: c.1598A>T on transcript NM_000465.4 (MANE Select); coding-DNA position 1598, A replaced by T.
Protein change: p.Tyr533Phe; replaces tyrosine 533 with phenylalanine.
Molecular consequence: missense variant. On other transcripts: non-coding transcript variant (3), intron variant (1).
Genome position (GRCh38, 1-based): chr2:214,752,526, T>A on the plus strand (A>T on the coding strand, the complement: BARD1 is on the minus strand). VCF-style: chr2-214752526-T-A. GRCh37 (hg19) VCF-style: chr2-215617250-T-A.
Other names: c.1541A>T, p.Tyr514Phe (NM_001282543.2); c.245A>T, p.Tyr82Phe (NM_001282545.2); c.188A>T, p.Tyr63Phe (NM_001282548.2); c.365-22018A>T (NM_001282549.2); short protein forms Y533F, Y63F, Y514F, Y82F.
Identifiers: ClinVar variation 232255 (VCV000232255.26), dbSNP rs761673463, ClinGen allele CA2090214.